The following is an entry in ClinVar:

ClinVar aggregate classification (germline): Uncertain significance (1 of 4 stars; one submission).

gnomAD v4.1: 18 of 982,373 alleles (0.0018%); highest among the groups gnomAD compares: Non-Finnish European, 0.002%; no homozygotes.

Submission:

Labcorp Genetics (formerly Invitae), Labcorp
Classification: Uncertain significance. Last evaluated: 2022-11-03. Review status: criteria provided, single submitter. Criteria: Invitae Variant Classification Sherloc (09022015). Collection method: clinical testing. Allele origin: germline.
Comment: This sequence change replaces serine, which is neutral and polar, with tyrosine, which is neutral and polar, at codon 59 of the GPR143 protein (p.Ser59Tyr). In summary, the available evidence is currently insufficient to determine the role of this variant in disease. Therefore, it has been classified as a Variant of Uncertain Significance. Advanced modeling of protein sequence and biophysical properties (such as structural, functional, and spatial information, amino acid conservation, physicochemical variation, residue mobility, and thermodynamic stability) performed at Invitae indicates that this missense variant is not expected to disrupt GPR143 protein function. ClinVar contains an entry for this variant (Variation ID: 1503942). This variant has not been reported in the literature in individuals affected with GPR143-related conditions. The frequency data for this variant in the population databases is considered unreliable, as metrics indicate insufficient coverage at this position in the gnomAD database.

NM_000273.3(GPR143):c.176C>A (p.Ser59Tyr)

Gene: GPR143 (G protein-coupled receptor 143; minus strand). Cytogenetic location: Xp22.2.
Variant type: single nucleotide variant.
Coding change: c.176C>A on transcript NM_000273.3 (MANE Select); coding-DNA position 176, C replaced by A.
Protein change: p.Ser59Tyr; replaces serine 59 with tyrosine.
Molecular consequence: missense variant.
Genome position (GRCh38, 1-based): chrX:9,765,642, G>T on the plus strand (C>A on the coding strand, the complement: GPR143 is on the minus strand). VCF-style: chrX-9765642-G-T. GRCh37 (hg19) VCF-style: chrX-9733682-G-T.
Other names: short protein forms S59Y.
Identifiers: ClinVar variation 1503942 (VCV001503942.6), dbSNP rs2083528273, ClinGen allele CA412000566.